The following is an entry in ClinVar:

ClinVar aggregate classification (germline): Uncertain significance (1 of 4 stars; one submission).

Conditions:
Inborn genetic diseases. Identifiers: MedGen C0950123, MeSH D030342.

Submission:

Ambry Genetics
Classification: Uncertain significance for Inborn genetic diseases. Last evaluated: 2022-07-26. Review status: criteria provided, single submitter. Criteria: Ambry Variant Classification Scheme 2023. Collection method: clinical testing. Allele origin: germline.
Comment: The p.H220L variant (also known as c.659A>T), located in coding exon 7 of the AKT1 gene, results from an A to T substitution at nucleotide position 659. The histidine at codon 220 is replaced by leucine, an amino acid with similar properties. This amino acid position is conserved. In addition, the in silico prediction for this alteration is inconclusive. Since supporting evidence is limited at this time, the clinical significance of this alteration remains unclear.

NM_001382430.1(AKT1):c.659A>T (p.His220Leu)

Gene: AKT1 (AKT serine/threonine kinase 1; minus strand). Cytogenetic location: 14q32.33.
Variant type: single nucleotide variant.
Coding change: c.659A>T on transcript NM_001382430.1 (MANE Select); coding-DNA position 659, A replaced by T.
Protein change: p.His220Leu; replaces histidine 220 with leucine.
Molecular consequence: missense variant.
Genome position (GRCh38, 1-based): chr14:104,773,955, T>A on the plus strand (A>T on the coding strand, the complement: AKT1 is on the minus strand). VCF-style: chr14-104773955-T-A. GRCh37 (hg19) VCF-style: chr14-105240292-T-A.
Other names: c.659A>T, p.His220Leu (NM_001014431.2, NM_001014432.2, NM_001382431.1 and 3 more transcripts); short protein forms H220L.
Identifiers: ClinVar variation 1754390 (VCV001754390.2), dbSNP rs2542133636, ClinGen allele CA391218884.
Genomic context (GRCh38, chr14:104,773,955, plus strand): 5'-GCAGCCCCAGCCCCTACCTCGCCCCCGTTGGCGTACTCCATGACAAAGCAGAGGCGGTCG[T>A]GGGTCTGGAAAGAGTACTTCAGGGCCTGCAAGGAAGGGGAGCTGGAACTGCGGCCCCACA-3'
Protein context (NP_001369359.1, residues 210-230): LTALKYSFQT[His220Leu]DRLCFVMEYA